The following is an entry in ClinVar:

ClinVar aggregate classification (germline): Pathogenic (1 of 4 stars; one submission).

Conditions:
Camptomelic dysplasia (CMPD). Also called: CMPD1/SRA1; Campomelic Dysplasia. Identifiers: Orphanet 140, MedGen C1861922, MONDO:0007251, OMIM 114290.

Submission:

Labcorp Genetics (formerly Invitae), Labcorp
Classification: Pathogenic for Camptomelic dysplasia. Last evaluated: 2016-11-16. Review status: criteria provided, single submitter. Criteria: Invitae Variant Classification Sherloc (09022015). Collection method: clinical testing. Allele origin: germline.
Comment: For these reasons, this variant has been classified as Pathogenic. Loss-of-function variants in SOX9 are known to be pathogenic. This particular variant has been reported in the literature in an individual with campomelic dysplasia (PMID: 9002675). This sequence change creates a premature translational stop signal at codon 117 (p.Gln117*) of the SOX9 gene. It is expected to result in an absent or disrupted protein product.

Literature cited by the submitters: PubMed 9002675.

NM_000346.4(SOX9):c.349C>T (p.Gln117Ter)

Genes: SOX9 (SRY-box transcription factor 9; plus strand), LOC108021846 (SOX9 promoter region; plus strand). Cytogenetic location: 17q24.3.
Variant type: single nucleotide variant.
Coding change: c.349C>T on transcript NM_000346.4 (MANE Select); coding-DNA position 349, C replaced by T.
Protein change: p.Gln117Ter; replaces glutamine 117 with a stop codon.
Molecular consequence: nonsense.
Genome position (GRCh38, 1-based): chr17:72,121,740, C>T. VCF-style: chr17-72121740-C-T. GRCh37 (hg19) VCF-style: chr17-70117881-C-T.
Other names: short protein forms Q117*.
Identifiers: ClinVar variation 468240 (VCV000468240.9), dbSNP rs1555629037, ClinGen allele CA400866075.
Genomic context (GRCh38, chr17:72,121,740, plus strand): 5'-GGCTCCAGCAAGAACAAGCCGCACGTCAAGCGGCCCATGAACGCCTTCATGGTGTGGGCG[C>T]AGGCGGCGCGCAGGAAGCTCGCGGACCAGTACCCGCACTTGCACAACGCCGAGCTCAGCA-3'